The following is an entry in ClinVar:

NM_177438.3(DICER1):c.181A>G (p.Ile61Val)

Gene: DICER1 (dicer 1, ribonuclease III; minus strand). Cytogenetic location: 14q32.13.
Variant type: single nucleotide variant.
Coding change: c.181A>G on transcript NM_177438.3 (MANE Select); coding-DNA position 181, A replaced by G.
Protein change: p.Ile61Val; replaces isoleucine 61 with valine.
Molecular consequence: missense variant.
Genome position (GRCh38, 1-based): chr14:95,132,641, T>C on the plus strand (A>G on the coding strand, the complement: DICER1 is on the minus strand). VCF-style: chr14-95132641-T-C. GRCh37 (hg19) VCF-style: chr14-95598978-T-C.
Other names: c.181A>G, p.Ile61Val (NM_001195573.1, NM_001271282.3, NM_001291628.2 and 1 more transcripts); short protein forms I61V.
Identifiers: ClinVar variation 412158 (VCV000412158.12), dbSNP rs1060503646, ClinGen allele CA16614731.

ClinVar aggregate classification (germline): Uncertain significance. Review status: criteria provided, multiple submitters, no conflicts (2 of 4 stars). 2 submissions from 2 submitters: Uncertain significance (2). Last evaluated 2025-11-14.

Conditions:
Hereditary cancer-predisposing syndrome. Also called: Hereditary neoplastic syndrome; Neoplastic Syndromes, Hereditary; Tumor predisposition; Hereditary Cancer Syndrome. Identifiers: Orphanet 140162, MedGen C0027672, MeSH D009386, MONDO:0015356.
DICER1-related tumor predisposition. Also called: DICER1-related pleuropulmonary blastoma cancer predisposition syndrome; DICER1 syndrome. Identifiers: Orphanet 284343, MedGen C3839822, MONDO:0100216.

Submissions (2):

Ambry Genetics
Classification: Uncertain significance for Hereditary cancer-predisposing syndrome. Last evaluated: 2025-11-14. Review status: criteria provided, single submitter. Criteria: Ambry Variant Classification Scheme 2023. Collection method: clinical testing. Allele origin: germline.
Comment: The p.I61V variant (also known as c.181A>G), located in coding exon 2 of the DICER1 gene, results from an A to G substitution at nucleotide position 181. The isoleucine at codon 61 is replaced by valine, an amino acid with highly similar properties. This amino acid position is well conserved in available vertebrate species. In addition, the in silico prediction for this alteration is inconclusive. Based on the available evidence, the clinical significance of this variant remains unclear.

Labcorp Genetics (formerly Invitae), Labcorp
Classification: Uncertain significance for DICER1-related tumor predisposition. Last evaluated: 2024-07-17. Review status: criteria provided, single submitter. Criteria: Invitae Variant Classification Sherloc (09022015). Collection method: clinical testing. Allele origin: germline.
Comment: This sequence change replaces isoleucine, which is neutral and non-polar, with valine, which is neutral and non-polar, at codon 61 of the DICER1 protein (p.Ile61Val). This variant is not present in population databases (gnomAD no frequency). This variant has not been reported in the literature in individuals affected with DICER1-related conditions. ClinVar contains an entry for this variant (Variation ID: 412158). Advanced modeling of protein sequence and biophysical properties (such as structural, functional, and spatial information, amino acid conservation, physicochemical variation, residue mobility, and thermodynamic stability) performed at Invitae indicates that this missense variant is not expected to disrupt DICER1 protein function with a negative predictive value of 80%. In summary, the available evidence is currently insufficient to determine the role of this variant in disease. Therefore, it has been classified as a Variant of Uncertain Significance.